The following is an entry in ClinVar:

ClinVar aggregate classification (germline): Benign/Likely benign. Review status: criteria provided, multiple submitters, no conflicts (2 of 4 stars). 3 submissions from 3 submitters: Benign (1); Likely benign (2). Last evaluated 2026-07-09.

Conditions:
Coffin-Lowry syndrome (CLS). Also called: COFFIN-LOWRY SYNDROME, MILD; Mental retardation with osteocartilaginous abnormalities. Identifiers: Orphanet 192, MedGen C0265252, MONDO:0010561, OMIM 303600.
Intellectual developmental disorder, X-linked 19. Also called: Intellectual disability, X-linked 19. Identifiers: Orphanet 777, MedGen C0796225, MONDO:0010447, OMIM 300844.
Inborn genetic diseases. Identifiers: MedGen C0950123, MeSH D030342.
RPS6KA3-related disorder. Also called: RPS6KA3-related condition.

Allele frequency attached by ClinVar (database versions not stated): gnomAD exomes 0.00002; ExAC 0.00006; gnomAD 0.00011; TOPMed 0.00014; 1000 Genomes Project 30x 0.00021; 1000 Genomes Project 0.00026; ESP Exome Variant Server 0.00028.
gnomAD v4.1: 41 of 1,205,361 alleles (0.0034%); highest among the groups gnomAD compares: African/African-American, 0.042%; no homozygotes.

Submissions (3):

PreventionGenetics, part of Exact Sciences
Classification: Likely benign for RPS6KA3-related condition. Last evaluated: 2026-07-09. Review status: criteria provided, single submitter. Criteria: ACMG Guidelines, 2015. Collection method: clinical testing. Allele origin: germline.
Comment: This variant is classified as likely benign based on ACMG/AMP sequence variant interpretation guidelines (Richards et al. 2015 PMID: 25741868, with internal and published modifications).

Labcorp Genetics (formerly Invitae), Labcorp
Classification: Benign for Coffin-Lowry syndrome; Intellectual developmental disorder, X-linked 19. Last evaluated: 2026-01-11. Review status: criteria provided, single submitter. Criteria: Invitae Variant Classification Sherloc (09022015). Collection method: clinical testing. Allele origin: germline.

Ambry Genetics
Classification: Likely benign for Inborn genetic diseases. Last evaluated: 2023-06-21. Review status: criteria provided, single submitter. Criteria: Ambry Variant Classification Scheme 2023. Collection method: clinical testing. Allele origin: germline.

NM_004586.3(RPS6KA3):c.1219A>G (p.Ile407Val)

Gene: RPS6KA3 (ribosomal protein S6 kinase A3; minus strand). Cytogenetic location: Xp22.12.
Variant type: single nucleotide variant.
Coding change: c.1219A>G on transcript NM_004586.3 (MANE Select); coding-DNA position 1219, A replaced by G.
Protein change: p.Ile407Val; replaces isoleucine 407 with valine.
Molecular consequence: missense variant.
Genome position (GRCh38, 1-based): chrX:20,175,172, T>C on the plus strand (A>G on the coding strand, the complement: RPS6KA3 is on the minus strand). VCF-style: chrX-20175172-T-C. GRCh37 (hg19) VCF-style: chrX-20193290-T-C.
Other names: c.1219A>G (NM_004586.2); short protein forms I407V.
Identifiers: ClinVar variation 2198989 (VCV002198989.8), dbSNP rs144961960, ClinGen allele CA10366154.